The following is an entry in ClinVar:

NM_017514.5(PLXNA3):c.265C>T (p.Arg89Cys)

Gene: PLXNA3 (plexin A3; plus strand). Cytogenetic location: Xq28.
Variant type: single nucleotide variant.
Coding change: c.265C>T on transcript NM_017514.5 (MANE Select); coding-DNA position 265, C replaced by T.
Protein change: p.Arg89Cys; replaces arginine 89 with cysteine.
Molecular consequence: missense variant.
Genome position (GRCh38, 1-based): chrX:154,460,448, C>T. VCF-style: chrX-154460448-C-T. GRCh37 (hg19) VCF-style: chrX-153688788-C-T.
Other names: short protein forms R89C.
Identifiers: ClinVar variation 4977380 (VCV004977380.1).

ClinVar aggregate classification (germline): Uncertain significance (1 of 4 stars; one submission).

Conditions:
PLXNA3-related disorder. Also called: PLXNA3-related condition.

gnomAD v4.1: 43 of 1,202,148 alleles (0.0036%); highest among the groups gnomAD compares: Non-Finnish European, 0.0038%; no homozygotes.

Submission:

PreventionGenetics, part of Exact Sciences
Classification: Uncertain significance for PLXNA3-related condition. Last evaluated: 2025-10-23. Review status: criteria provided, single submitter. Criteria: ACMG Guidelines, 2015. Collection method: clinical testing. Allele origin: germline.
Comment: The PLXNA3 c.265C>T variant is predicted to result in the amino acid substitution p.Arg89Cys. To our knowledge, this variant has not been reported in the literature. This variant is reported in 0.0058% of alleles in individuals of European (Finnish) descent in gnomAD. At this time, the clinical significance of this variant is uncertain due to the absence of conclusive functional and genetic evidence.